The following is an entry in ClinVar:

NM_001303256.3(MORC2):c.1886C>A (p.Pro629His)

Gene: MORC2 (MORC family CW-type zinc finger 2; minus strand). Cytogenetic location: 22q12.2.
Variant type: single nucleotide variant.
Coding change: c.1886C>A on transcript NM_001303256.3 (MANE Select); coding-DNA position 1886, C replaced by A.
Protein change: p.Pro629His; replaces proline 629 with histidine.
Molecular consequence: missense variant.
Genome position (GRCh38, 1-based): chr22:30,935,088, G>T on the plus strand (C>A on the coding strand, the complement: MORC2 is on the minus strand). VCF-style: chr22-30935088-G-T. GRCh37 (hg19) VCF-style: chr22-31331075-G-T.
Other names: c.1886C>A, p.Pro629His (NM_001303257.2); c.1700C>A, p.Pro567His (NM_014941.3); short protein forms P629H, P567H.
Identifiers: ClinVar variation 3718899 (VCV003718899.2).

ClinVar aggregate classification (germline): Uncertain significance (1 of 4 stars; one submission).

Conditions:
Charcot-Marie-Tooth disease axonal type 2Z. Also called: CHARCOT-MARIE-TOOTH DISEASE, AXONAL, AUTOSOMAL DOMINANT, TYPE 2Z; CHARCOT-MARIE-TOOTH NEUROPATHY, TYPE 2Z. Identifiers: Orphanet 466768, MedGen C5569025, MONDO:0014736, OMIM 616688.

gnomAD v4.1: 1 of 1,613,856 alleles (0.000062%); highest among the groups gnomAD compares: African/African-American, 0.0013%; no homozygotes.

Submission:

Labcorp Genetics (formerly Invitae), Labcorp
Classification: Uncertain significance for Charcot-Marie-Tooth disease axonal type 2Z. Last evaluated: 2024-09-17. Review status: criteria provided, single submitter. Criteria: Invitae Variant Classification Sherloc (09022015). Collection method: clinical testing. Allele origin: germline.
Comment: This sequence change replaces proline, which is neutral and non-polar, with histidine, which is basic and polar, at codon 629 of the MORC2 protein (p.Pro629His). This variant is not present in population databases (gnomAD no frequency). This variant has not been reported in the literature in individuals affected with MORC2-related conditions. Invitae Evidence Modeling of protein sequence and biophysical properties (such as structural, functional, and spatial information, amino acid conservation, physicochemical variation, residue mobility, and thermodynamic stability) has been performed for this missense variant. However, the output from this modeling did not meet the statistical confidence thresholds required to predict the impact of this variant on MORC2 protein function. In summary, the available evidence is currently insufficient to determine the role of this variant in disease. Therefore, it has been classified as a Variant of Uncertain Significance.